The following is an entry in ClinVar:

NM_000138.5(FBN1):c.2422del (p.Ile808fs)

Gene: FBN1 (fibrillin 1; minus strand). Cytogenetic location: 15q21.1.
Variant type: Deletion.
Coding change: c.2422del on transcript NM_000138.5 (MANE Select); coding-DNA position 2422, one base deleted (A; older notation c.2422delA).
Protein change: p.Ile808fs; shifts the reading frame from isoleucine 808.
Molecular consequence: frameshift variant.
Genome position (GRCh38, 1-based): chr15:48,495,586, T deleted on the plus strand (A on the coding strand, the reverse complement: FBN1 is on the minus strand). VCF-style (leftmost placement, unchanged base first): chr15-48495585-AT-A. GRCh37 (hg19) VCF-style: chr15-48787782-AT-A.
Other names: c.2422del, p.Ile808fs (NM_001406716.1); short protein forms I808fs.
Identifiers: ClinVar variation 2950179 (VCV002950179.3), dbSNP rs2505572153, ClinGen allele CA2740096660.

ClinVar aggregate classification (germline): Pathogenic (1 of 4 stars; one submission).

Conditions:
Marfan syndrome (MFS). Also called: MARFAN SYNDROME, TYPE I; Marfan syndrome type 1; Marfan's syndrome; Marfan syndrome, classic; FBN1-Related Marfan Syndrome. Identifiers: Orphanet 284963, Orphanet 558, MedGen C0024796, MONDO:0007947, OMIM 154700.
Familial thoracic aortic aneurysm and aortic dissection (TAAD). Also called: Thoracic aortic aneurysms and dissections. Identifiers: Orphanet 91387, MedGen C4707243, MONDO:0019625.

Submission:

Labcorp Genetics (formerly Invitae), Labcorp
Classification: Pathogenic for Marfan syndrome; Familial thoracic aortic aneurysm and aortic dissection. Last evaluated: 2023-07-22. Review status: criteria provided, single submitter. Criteria: Invitae Variant Classification Sherloc (09022015). Collection method: clinical testing. Allele origin: germline.
Comment: This variant is not present in population databases (gnomAD no frequency). This variant has not been reported in the literature in individuals affected with FBN1-related conditions. For these reasons, this variant has been classified as Pathogenic. This sequence change creates a premature translational stop signal (p.Ile808Leufs*39) in the FBN1 gene. It is expected to result in an absent or disrupted protein product. Loss-of-function variants in FBN1 are known to be pathogenic (PMID: 17657824, 19293843).

Literature cited by the submitters: PubMed 17657824; PubMed 19293843.